The following is an entry in ClinVar:

NM_001829.4(CLCN3):c.1709C>T (p.Thr570Ile)

Gene: CLCN3 (chloride voltage-gated channel 3; plus strand). Cytogenetic location: 4q33.
Variant type: single nucleotide variant.
Coding change: c.1709C>T on transcript NM_001829.4 (MANE Select); coding-DNA position 1709, C replaced by T.
Protein change: p.Thr570Ile; replaces threonine 570 with isoleucine.
Molecular consequence: missense variant.
Genome position (GRCh38, 1-based): chr4:169,704,143, C>T. VCF-style: chr4-169704143-C-T. GRCh37 (hg19) VCF-style: chr4-170625294-C-T.
Other names: c.1628C>T, p.Thr543Ile (NM_001243372.2, NM_001243374.2); c.1709C>T, p.Thr570Ile (NM_173872.4); short protein forms T543I, T570I.
Identifiers: ClinVar variation 929948 (VCV000929948.7), dbSNP rs1732900321, ClinGen allele CA358738672.
Genomic context (GRCh38, chr4:169,704,143, plus strand): 5'-ACTATCACCACGACTGGTTTATCTTTAAGGAGTGGTGTGAGGTCGGGGCTGATTGCATTA[C>T]ACCTGGCCTTTATGCCATGGTTGGTGCTGCTGCATGCTTAGGTAATATGGCTGTGTCTGC-3'
Protein context (NP_001820.2, residues 560-580): EWCEVGADCI[Thr570Ile]PGLYAMVGAA

ClinVar aggregate classification (germline): Likely pathogenic. Review status: criteria provided, multiple submitters, no conflicts (2 of 4 stars). 4 submissions from 4 submitters: Likely pathogenic (2). 2 of the submissions do not count toward it. Last evaluated 2022-03-15.

Conditions:
Neurodevelopmental disorder with hypotonia and brain abnormalities. Identifiers: MedGen C5561977, MONDO:0859187, OMIM 619512.
Neurodevelopmental disorder. Identifiers: MedGen C1535926, MeSH D065886, MONDO:0700092.
Neurodevelopmental delay. Identifiers: MedGen C4022738, HP:0012758.

Submissions (4):

SIB Swiss Institute of Bioinformatics
Classification: Likely pathogenic for Neurodevelopmental disorder with hypotonia and brain abnormalities. Last evaluated: 2022-03-15. Review status: criteria provided, single submitter. Criteria: ACMG Guidelines, 2015. Collection method: curation. Allele origin: unknown.
Comment: This variant is interpreted as likely pathogenic for Neurodevelopmental disorder with hypotonia and brain abnormalities, autosomal dominant. The following ACMG Tag(s) were applied: Absent from controls (or at extremely low frequency if recessive) in Exome Sequencing Project, 1000 Genomes Project, or Exome Aggregation Consortium (PM2); De novo, paternity and maternity confirmed (PS2 downgraded to moderate); Multiple lines of computational evidence support a deleterious effect on the gene or gene product (PP3); Missense variant in a gene that has a low rate of benign missense variation (PP2).

Laboratory for Molecular Medicine, Mass General Brigham Personalized Medicine
Classification: Likely pathogenic for Neurodevelopmental disorder. Last evaluated: 2019-06-05. Review status: criteria provided, single submitter. Criteria: LMM Criteria. Collection method: clinical testing. Allele origin: germline. Inheritance: Autosomal dominant inheritance. Observed: 1 variant allele.
Comment: The p.Thr570Ile variant in CLCN3 has not been previously reported in the literature and is absent from large population studies. However, this variant was present as de novo in two individuals with intellectual disability and hypotonia with variable other neurodevelopmental features including global delays, seizures, poor coordination, and/or strabismus (Broad Institute Rare Genomes Project and the CAUSES research clinic at BC Childrenâ€™s Hospital). Computational prediction tools and conservation analysis suggest that the p.Thr570Ile variant may impact the protein, though this information is not predictive enough to determine pathogenicity. Currently, there is strong evidence to support an association between CLCN3 and a neurodevelopmental phenotype with additional studies underway. In summary, the clinical significance of the p.Thr570Ile variant is likely pathogenic by ACMG/AMP criteria. ACMG/AMP Criteria applied: PS2, PM2, PP3.

OMIM
Classification: Pathogenic for NEURODEVELOPMENTAL DISORDER WITH HYPOTONIA AND BRAIN ABNORMALITIES. Last evaluated: 2021-09-02. Review status: no assertion criteria provided. Collection method: literature only. Allele origin: germline. Not counted in ClinVar's aggregate classification.

Gene Discovery Core-Manton Center, Boston Children's Hospital
Classification: Pathogenic for Neurodevelopmental delay. Review status: no assertion criteria provided. Collection method: research. Allele origin: de novo. Affected: yes. Observed: 1 variant allele. Not counted in ClinVar's aggregate classification.

Literature cited by the submitters: PubMed 34186028 (cited by SIB Swiss Institute of Bioinformatics and OMIM).